The following is an entry in ClinVar:

ClinVar aggregate classification (germline): Pathogenic (1 of 4 stars; one submission).

Conditions:
Peutz-Jeghers syndrome (PJS). Also called: POLYPOSIS, HAMARTOMATOUS INTESTINAL; POLYPS-AND-SPOTS SYNDROME; Peutz-Jeghers polyposis; Periorificial lentiginosis syndrome. Identifiers: Orphanet 2869, MedGen C0031269, MeSH D010580, MONDO:0008280, OMIM 175200.

Submission:

Labcorp Genetics (formerly Invitae), Labcorp
Classification: Pathogenic for Peutz-Jeghers syndrome. Last evaluated: 2018-05-07. Review status: criteria provided, single submitter. Criteria: Invitae Variant Classification Sherloc (09022015). Collection method: clinical testing. Allele origin: germline.
Comment: For these reasons, this variant has been classified as Pathogenic. Loss-of-function variants in STK11 are known to be pathogenic (PMID: 15188174, 16287113). This variant has been observed in an individual affected with Peutz–Jeghers syndrome (PMID: 9887330). This variant is also known as LKB1 c.604_623del in the literature. This variant is not present in population databases (ExAC no frequency). This sequence change creates a premature translational stop signal (p.Pro203Leufs*56) in the STK11 gene. It is expected to result in an absent or disrupted protein product.

Literature cited by the submitters: PubMed 15188174; PubMed 16287113; PubMed 9887330.

NM_000455.5(STK11):c.608_627del (p.Pro203fs)

Gene: STK11 (serine/threonine kinase 11; plus strand). Cytogenetic location: 19p13.3.
Variant type: Deletion.
Coding change: c.608_627del on transcript NM_000455.5 (MANE Select); coding-DNA positions 608 to 627, 20 bases deleted (CGTTCGCGGCGGACGACACC).
Protein change: p.Pro203fs; shifts the reading frame from proline 203.
Molecular consequence: frameshift variant.
Genome position (GRCh38, 1-based): chr19:1,220,591-1,220,610, CGTTCGCGGCGGACGACACC deleted; deleting any 20 consecutive bases within chr19:1,220,587-1,220,610 gives the same sequence; the c. name uses the placement nearest the transcript's 3' end. VCF-style (leftmost placement, unchanged base first): chr19-1220586-GCACCCGTTCGCGGCGGACGA-G. GRCh37 (hg19) VCF-style: chr19-1220585-GCACCCGTTCGCGGCGGACGA-G.
Other names: short protein forms P203fs.
Identifiers: ClinVar variation 1075763 (VCV001075763.9), dbSNP rs2145425021, ClinGen allele CA2499225347.